The following is an entry in ClinVar:

ClinVar aggregate classification (germline): Uncertain significance. Review status: criteria provided, multiple submitters, no conflicts (2 of 4 stars). 3 submissions from 3 submitters: Uncertain significance (3). Last evaluated 2023-06-06.

Conditions:
Autosomal dominant childhood-onset proximal spinal muscular atrophy with contractures (SMALED2A). Also called: Spinal muscular atrophy, lower extremity-predominant, 2A, autosomal dominant; SPINAL MUSCULAR ATROPHY, LOWER EXTREMITY-PREDOMINANT, 2A, CHILDHOOD ONSET, AUTOSOMAL DOMINANT. Identifiers: Orphanet 363447, Orphanet 363454, MedGen C4747715, MONDO:0014121, OMIM 615290.
Inborn genetic diseases. Identifiers: MedGen C0950123, MeSH D030342.

Allele frequency attached by ClinVar (database versions not stated): gnomAD exomes 0.00001; TOPMed 0.00001; ExAC 0.00006; ESP Exome Variant Server 0.00016.
gnomAD v4.1: 19 of 1,544,348 alleles (0.0012%); highest among the groups gnomAD compares: Non-Finnish European, 0.0016%; no homozygotes.

Submissions (3):

Blueprint Genetics
Classification: Uncertain significance. Last evaluated: 2023-06-06. Review status: criteria provided, single submitter. Criteria: ACMG Guidelines, 2015. Collection method: clinical testing. Allele origin: germline.

Labcorp Genetics (formerly Invitae), Labcorp
Classification: Uncertain significance for Autosomal dominant childhood-onset proximal spinal muscular atrophy with contractures. Last evaluated: 2022-01-14. Review status: criteria provided, single submitter. Criteria: Invitae Variant Classification Sherloc (09022015). Collection method: clinical testing. Allele origin: germline.
Comment: The frequency data for this variant in the population databases is considered unreliable, as metrics indicate poor data quality at this position in the gnomAD database. This sequence change replaces tyrosine, which is neutral and polar, with cysteine, which is neutral and slightly polar, at codon 68 of the BICD2 protein (p.Tyr68Cys). This variant has not been reported in the literature in individuals affected with BICD2-related conditions. In summary, the available evidence is currently insufficient to determine the role of this variant in disease. Therefore, it has been classified as a Variant of Uncertain Significance. Algorithms developed to predict the effect of sequence changes on RNA splicing suggest that this variant may create or strengthen a splice site. Advanced modeling of protein sequence and biophysical properties (such as structural, functional, and spatial information, amino acid conservation, physicochemical variation, residue mobility, and thermodynamic stability) performed at Invitae indicates that this missense variant is not expected to disrupt BICD2 protein function. ClinVar contains an entry for this variant (Variation ID: 541285).

Ambry Genetics
Classification: Uncertain significance for Inborn genetic diseases. Last evaluated: 2021-07-15. Review status: criteria provided, single submitter. Criteria: Ambry Variant Classification Scheme 2023. Collection method: clinical testing. Allele origin: germline.
Comment: The p.Y68C variant (also known as c.203A>G), located in coding exon 1 of the BICD2 gene, results from an A to G substitution at nucleotide position 203. The tyrosine at codon 68 is replaced by cysteine, an amino acid with highly dissimilar properties. This amino acid position is conserved. In addition, this alteration is predicted to be tolerated by in silico analysis. Since supporting evidence is limited at this time, the clinical significance of this alteration remains unclear.

NM_001003800.2(BICD2):c.203A>G (p.Tyr68Cys)

Gene: BICD2 (BICD cargo adaptor 2; minus strand). Cytogenetic location: 9q22.31.
Variant type: single nucleotide variant.
Coding change: c.203A>G on transcript NM_001003800.2 (MANE Select); coding-DNA position 203, A replaced by G.
Protein change: p.Tyr68Cys; replaces tyrosine 68 with cysteine.
Molecular consequence: missense variant.
Genome position (GRCh38, 1-based): chr9:92,764,542, T>C on the plus strand (A>G on the coding strand, the complement: BICD2 is on the minus strand). VCF-style: chr9-92764542-T-C. GRCh37 (hg19) VCF-style: chr9-95526824-T-C.
Other names: c.203A>G, p.Tyr68Cys (NM_015250.4); short protein forms Y68C.
Identifiers: ClinVar variation 541285 (VCV000541285.13), dbSNP rs141519259, ClinGen allele CA5126871.